The following is an entry in ClinVar:

NM_003153.5(STAT6):c.2470C>G (p.Leu824Val)

Gene: STAT6 (signal transducer and activator of transcription 6; minus strand). Cytogenetic location: 12q13.3.
Variant type: single nucleotide variant.
Coding change: c.2470C>G on transcript NM_003153.5 (MANE Select); coding-DNA position 2470, C replaced by G.
Protein change: p.Leu824Val; replaces leucine 824 with valine.
Molecular consequence: missense variant. On other transcripts: non-coding transcript variant (1).
Genome position (GRCh38, 1-based): chr12:57,096,646, G>C on the plus strand (C>G on the coding strand, the complement: STAT6 is on the minus strand). VCF-style: chr12-57096646-G-C. GRCh37 (hg19) VCF-style: chr12-57490429-G-C.
Other names: c.2470C>G, p.Leu824Val (NM_001178078.2, NM_001178079.2); c.2140C>G, p.Leu714Val (NM_001178080.2, NM_001178081.2); short protein forms L714V, L824V.
Identifiers: ClinVar variation 4820773 (VCV004820773.4).
Genomic context (GRCh38, chr12:57,096,646, plus strand): 5'-TGGCCCTTAGGTCCATGTGGGACATTGAGATCCCAGATTGCCCATAGTGGGAGGGCTGCA[G>C]GAGGGGCTGTGCCCCCAAGGACCCTCCCCCCGACTCCCCTTGCCCCTCCAGGAGAAGCTT-3'
Protein context (NP_003144.3, residues 814-834): GGGSLGAQPL[Leu824Val]QPSHYGQSGI

ClinVar aggregate classification (germline): Likely benign (1 of 4 stars; one submission).

gnomAD v4.1: 1,844 of 1,609,148 alleles (0.11%); highest among the groups gnomAD compares: Non-Finnish European, 0.15%; 3 homozygotes.

Submission:

CeGaT Center for Human Genetics Tuebingen
Classification: Likely benign. Last evaluated: 2026-03-01. Review status: criteria provided, single submitter. Criteria: CeGaT Center For Human Genetics Tuebingen Variant Classification Criteria Version 2. Collection method: clinical testing. Allele origin: germline. Affected: yes. Observed: 1 variant allele.
Comment: STAT6: PP2, BS1